The following is an entry in ClinVar:

NM_001257180.2(SLC20A2):c.601A>G (p.Thr201Ala)

Gene: SLC20A2 (solute carrier family 20 member 2; minus strand). Cytogenetic location: 8p11.21.
Variant type: single nucleotide variant.
Coding change: c.601A>G on transcript NM_001257180.2 (MANE Select); coding-DNA position 601, A replaced by G.
Protein change: p.Thr201Ala; replaces threonine 201 with alanine.
Molecular consequence: missense variant.
Genome position (GRCh38, 1-based): chr8:42,459,908, T>C on the plus strand (A>G on the coding strand, the complement: SLC20A2 is on the minus strand). VCF-style: chr8-42459908-T-C. GRCh37 (hg19) VCF-style: chr8-42317426-T-C.
Other names: c.601A>G, p.Thr201Ala (NM_001257181.2, NM_006749.5); short protein forms T201A.
Identifiers: ClinVar variation 1708974 (VCV001708974.2), dbSNP rs2487491535, ClinGen allele CA371085076.

ClinVar aggregate classification (germline): Uncertain significance (1 of 4 stars; one submission).

Conditions:
Idiopathic basal ganglia calcification 1 (PFBC1A). Also called: Fahr's syndrome; Cerebral calcification nonarteriosclerotic idiopathic adult-onset; Striopallidodentate calcinosis autosomal dominant adult-onset; Ferrocalcinosis, cerebrovascular; Fahr disease, familial (formerly); Familial Idiopathic Basal Ganglia Calcification 2. Identifiers: Orphanet 1980, MedGen C4551624, MONDO:0024538, OMIM 213600.

Submission:

MGZ Medical Genetics Center
Classification: Uncertain significance for Idiopathic basal ganglia calcification 1. Last evaluated: 2021-12-01. Review status: criteria provided, single submitter. Criteria: ACMG Guidelines, 2015. Collection method: clinical testing. Allele origin: germline. Affected: yes. Observed: 1 variant allele.
Comment: ACMG criteria applied: PM2_SUP, PP3